The following is an entry in ClinVar:

ClinVar aggregate classification (germline): Uncertain significance. Review status: criteria provided, multiple submitters, no conflicts (2 of 4 stars). 2 submissions from 2 submitters: Uncertain significance (2). Last evaluated 2025-05-07.

Conditions:
Hereditary cancer-predisposing syndrome. Also called: Hereditary Cancer Syndrome; Hereditary neoplastic syndrome; Neoplastic Syndromes, Hereditary; Tumor predisposition. Identifiers: Orphanet 140162, MedGen C0027672, MeSH D009386, MONDO:0015356.
Familial cancer of breast. Also called: Hereditary breast cancer; BREAST CANCER, FAMILIAL; hereditary breast carcinoma. Identifiers: Orphanet 227535, MedGen C0346153, MONDO:0016419, OMIM 114480. Disease mechanism: loss of function.

Allele frequency attached by ClinVar (database versions not stated): gnomAD exomes below 0.00001.
gnomAD v4.1: 1 of 1,613,106 alleles (0.000062%); highest among the groups gnomAD compares: African/African-American, 0.0013%; no homozygotes.

Submissions (2):

Labcorp Genetics (formerly Invitae), Labcorp
Classification: Uncertain significance for Familial cancer of breast. Last evaluated: 2025-05-07. Review status: criteria provided, single submitter. Criteria: Invitae Variant Classification Sherloc (09022015). Collection method: clinical testing. Allele origin: germline.
Comment: This sequence change replaces lysine, which is basic and polar, with arginine, which is basic and polar, at codon 139 of the BARD1 protein (p.Lys139Arg). This variant is not present in population databases (gnomAD no frequency). This variant has not been reported in the literature in individuals affected with BARD1-related conditions. ClinVar contains an entry for this variant (Variation ID: 1738395). An algorithm developed to predict the effect of missense changes on protein structure and function (PolyPhen-2) suggests that this variant is likely to be disruptive. In summary, the available evidence is currently insufficient to determine the role of this variant in disease. Therefore, it has been classified as a Variant of Uncertain Significance.

Ambry Genetics
Classification: Uncertain significance for Hereditary cancer-predisposing syndrome. Last evaluated: 2024-11-19. Review status: criteria provided, single submitter. Criteria: Ambry Variant Classification Scheme 2023. Collection method: clinical testing. Allele origin: germline.
Comment: The p.K139R variant (also known as c.416A>G), located in coding exon 4 of the BARD1 gene, results from an A to G substitution at nucleotide position 416. The lysine at codon 139 is replaced by arginine, an amino acid with highly similar properties. This amino acid position is highly conserved in available vertebrate species. In addition, this alteration is predicted to be tolerated by in silico analysis. Since supporting evidence is limited at this time, the clinical significance of this alteration remains unclear.

NM_000465.4(BARD1):c.416A>G (p.Lys139Arg)

Gene: BARD1 (BRCA1 associated RING domain 1; minus strand). Cytogenetic location: 2q35.
Variant type: single nucleotide variant.
Coding change: c.416A>G on transcript NM_000465.4 (MANE Select); coding-DNA position 416, A replaced by G.
Protein change: p.Lys139Arg; replaces lysine 139 with arginine.
Molecular consequence: missense variant. On other transcripts: non-coding transcript variant (2), intron variant (3).
Genome position (GRCh38, 1-based): chr2:214,781,458, T>C on the plus strand (A>G on the coding strand, the complement: BARD1 is on the minus strand). VCF-style: chr2-214781458-T-C. GRCh37 (hg19) VCF-style: chr2-215646182-T-C.
Other names: c.359A>G, p.Lys120Arg (NM_001282543.2); c.158+27954A>G (NM_001282548.2); c.215+15603A>G (NM_001282545.2); c.364+10839A>G (NM_001282549.2); short protein forms K120R, K139R.
Identifiers: ClinVar variation 1738395 (VCV001738395.4), dbSNP rs2469513890, ClinGen allele CA350457931.